The following is an entry in ClinVar:

NM_001292063.2(OTOG):c.4646del (p.Pro1549fs)

Gene: OTOG (otogelin; plus strand). Cytogenetic location: 11p15.1.
Variant type: Deletion.
Coding change: c.4646del on transcript NM_001292063.2 (MANE Select); coding-DNA position 4646, one base deleted (C; older notation c.4646delC).
Protein change: p.Pro1549fs; shifts the reading frame from proline 1549.
Molecular consequence: frameshift variant.
Genome position (GRCh38, 1-based): chr11:17,609,946, C deleted; the last of 4 consecutive C bases (chr11:17,609,943-17,609,946); deleting any one gives the same sequence. VCF-style (leftmost placement, unchanged base first): chr11-17609942-TC-T. GRCh37 (hg19) VCF-style: chr11-17631489-TC-T.
Other names: c.4682del, p.Pro1561fs (NM_001277269.2); short protein forms P1549fs, P1561fs.
Identifiers: ClinVar variation 1305574 (VCV001305574.2), dbSNP rs1269466280, ClinGen allele CA597904865.
Genomic context (GRCh38, chr11:17,609,942, plus strand): 5'-ACCACCCTGCAGCAGCCACTGGAGCTCACTGCATCTCAACTCCCCGCCGGCCCCACGGAG[TC>T]CCCAGCCAGCAAGGGAGTGACTGCCAGCCTCCTGGCCATCCCCCATACACCAGAGTCCTC-3'

ClinVar aggregate classification (germline): Uncertain significance (1 of 4 stars; one submission).

Submission:

GeneDx
Classification: Uncertain significance. Last evaluated: 2019-05-03. Review status: criteria provided, single submitter. Criteria: GeneDx Variant Classification Process June 2021. Collection method: clinical testing. Allele origin: germline. Affected: yes.
Comment: Frameshift variant predicted to result in protein truncation or nonsense mediated decay in a gene for which loss-of-function is a known mechanism of disease; Has not been previously published as pathogenic or benign to our knowledge